The following is an entry in ClinVar:

ClinVar aggregate classification (germline): Uncertain significance. Review status: criteria provided, multiple submitters, no conflicts (2 of 4 stars). 2 submissions from 2 submitters: Uncertain significance (2). Last evaluated 2025-04-02.

Allele frequency attached by ClinVar (database versions not stated): gnomAD below 0.00001 and 0.00003; ExAC 0.00001; gnomAD exomes 0.00002; 1000 Genomes Project 0.00040; 1000 Genomes Project 30x 0.00047.
gnomAD v4.1: 13 of 1,612,106 alleles (0.00081%); highest among the groups gnomAD compares: South Asian, 0.0088%; no homozygotes.

Submissions (2):

Labcorp Genetics (formerly Invitae), Labcorp
Classification: Uncertain significance. Last evaluated: 2025-04-02. Review status: criteria provided, single submitter. Criteria: Invitae Variant Classification Sherloc (09022015). Collection method: clinical testing. Allele origin: germline.
Comment: This sequence change replaces cysteine, which is neutral and slightly polar, with tyrosine, which is neutral and polar, at codon 298 of the GEN1 protein (p.Cys298Tyr). This variant is present in population databases (rs374326909, gnomAD 0.01%). This variant has not been reported in the literature in individuals affected with GEN1-related conditions. ClinVar contains an entry for this variant (Variation ID: 1024322). An algorithm developed to predict the effect of missense changes on protein structure and function (PolyPhen-2) suggests that this variant is likely to be disruptive. In summary, the available evidence is currently insufficient to determine the role of this variant in disease. Therefore, it has been classified as a Variant of Uncertain Significance.

Ambry Genetics
Classification: Uncertain significance. Last evaluated: 2024-11-24. Review status: criteria provided, single submitter. Criteria: Ambry Variant Classification Scheme 2023. Collection method: clinical testing. Allele origin: germline.
Comment: The p.C298Y variant (also known as c.893G>A), located in coding exon 7 of the GEN1 gene, results from a G to A substitution at nucleotide position 893. The cysteine at codon 298 is replaced by tyrosine, an amino acid with highly dissimilar properties. This amino acid position is conserved. In addition, this alteration is predicted to be deleterious by in silico analysis. Based on the available evidence, the clinical significance of this variant remains unclear.

NM_001130009.3(GEN1):c.893G>A (p.Cys298Tyr)

Gene: GEN1 (GEN1 structure-specific endonuclease; plus strand). Cytogenetic location: 2p24.2.
Variant type: single nucleotide variant.
Coding change: c.893G>A on transcript NM_001130009.3 (MANE Select); coding-DNA position 893, G replaced by A.
Protein change: p.Cys298Tyr; replaces cysteine 298 with tyrosine.
Molecular consequence: missense variant.
Genome position (GRCh38, 1-based): chr2:17,772,724, G>A. VCF-style: chr2-17772724-G-A. GRCh37 (hg19) VCF-style: chr2-17953991-G-A.
Other names: c.893G>A, p.Cys298Tyr (NM_182625.5); c.893G>A (NM_001130009.1); short protein forms C298Y.
Identifiers: ClinVar variation 1024322 (VCV001024322.10), dbSNP rs374326909, ClinGen allele CA1540591.